The following is an entry in ClinVar:

NM_021954.4(GJA3):c.*1083T>C

Gene: GJA3 (gap junction protein alpha 3; minus strand). Cytogenetic location: 13q12.11.
Variant type: single nucleotide variant.
Coding change: c.*1083T>C on transcript NM_021954.4 (MANE Select); 1083 bases downstream of the stop codon, T replaced by C.
Molecular consequence: 3 prime UTR variant.
Genome position (GRCh38, 1-based): chr13:20,140,898, A>G on the plus strand (T>C on the coding strand, the complement: GJA3 is on the minus strand). VCF-style: chr13-20140898-A-G. GRCh37 (hg19) VCF-style: chr13-20715037-A-G.
Identifiers: ClinVar variation 311312 (VCV000311312.6), dbSNP rs144491437, ClinGen allele CA10643908.

ClinVar aggregate classification (germline): Benign. Review status: criteria provided, multiple submitters, no conflicts (2 of 4 stars). 2 submissions from 2 submitters: Benign (2). Last evaluated 2018-01-13.

Conditions:
Cataract 14 multiple types. Also called: CATARACT 14, ZONULAR PULVERULENT; CATARACT 14, NUCLEAR PULVERULENT; CATARACT 14, NUCLEAR PULVERULENT AND POSTERIOR POLAR; CATARACT 14, NUCLEAR CORALLIFORM; CATARACT 14, EMBRYONAL NUCLEAR; CATARACT 14, COPPOCK-LIKE. Identifiers: Orphanet 91492, MedGen C1866078, MONDO:0011162, OMIM 601885.

Allele frequency attached by ClinVar (database versions not stated): 1000 Genomes Project 30x 0.00890; TOPMed 0.01703; gnomAD 0.01561 and 0.01612; 1000 Genomes Project 0.00919.

Submissions (2):

Illumina Laboratory Services, Illumina
Classification: Benign for Cataract 14 multiple types. Last evaluated: 2018-01-13. Review status: criteria provided, single submitter. Criteria: ICSL Variant Classification Criteria 13 December 2019. Collection method: clinical testing. Allele origin: germline.
Comment: This variant was observed in the ICSL laboratory as part of a predisposition screen in an ostensibly healthy population. It had not been previously curated by ICSL or reported in the Human Gene Mutation Database (HGMD: prior to June 1st, 2018), and was therefore a candidate for classification through an automated scoring system. Utilizing variant allele frequency, disease prevalence and penetrance estimates, and inheritance mode, an automated score was calculated to assess if this variant is too frequent to cause the disease. Based on the score and internal cut-off values, a variant classified as benign is not then subjected to further curation. The score for this variant resulted in a classification of benign for this disease.

Breakthrough Genomics
Classification: Benign. Review status: criteria provided, single submitter. Criteria: ACMG Guidelines, 2015. Collection method: not provided. Allele origin: germline. Inheritance: Autosomal dominant inheritance. Affected: yes.